The following is an entry in ClinVar:

NM_000414.4(HSD17B4):c.1333+1G>T

Gene: HSD17B4 (hydroxysteroid 17-beta dehydrogenase 4; plus strand). Cytogenetic location: 5q23.1.
Variant type: single nucleotide variant.
Coding change: c.1333+1G>T on transcript NM_000414.4 (MANE Select); the canonical splice donor site of the intron after coding-DNA position 1333, G replaced by T.
Molecular consequence: splice donor variant. On other transcripts: intron variant (1).
Genome position (GRCh38, 1-based): chr5:119,506,890, G>T. VCF-style: chr5-119506890-G-T. GRCh37 (hg19) VCF-style: chr5-118842585-G-T.
Other names: c.922+1G>T (NM_001374503.1, NM_001374502.1, NM_001374501.1); c.1408+1G>T (NM_001199291.3); c.1006+1G>T (NM_001374499.1); c.892+1G>T (NM_001374500.1); c.913+1G>T (NM_001292028.2); c.1261+1G>T (NM_001292027.2); c.1262-2251G>T (NM_001374498.1); c.1324+1G>T (NM_001374497.1); and 1 more.
Identifiers: ClinVar variation 4786749 (VCV004786749.1).

ClinVar aggregate classification (germline): Likely pathogenic (1 of 4 stars; one submission).

Conditions:
Bifunctional peroxisomal enzyme deficiency (DBIF). Also called: DBP DEFICIENCY; PBFE DEFICIENCY; D-bifunctional protein deficiency. Identifiers: Orphanet 300, MedGen C0342870, MONDO:0009855, OMIM 261515. Disease mechanism: loss of function.
Perrault syndrome. Also called: Gonadal dysgenesis with auditory dysfunction, autosomal recessive inheritance. Identifiers: Orphanet 2855, MedGen C0685838, MONDO:0017312.

Submission:

Labcorp Genetics (formerly Invitae), Labcorp
Classification: Likely pathogenic for Perrault syndrome; Bifunctional peroxisomal enzyme deficiency. Last evaluated: 2025-11-19. Review status: criteria provided, single submitter. Criteria: Invitae Variant Classification Sherloc (09022015). Collection method: clinical testing. Allele origin: germline.
Comment: This sequence change affects a donor splice site in intron 15 of the HSD17B4 gene. It is expected to disrupt RNA splicing. Variants that disrupt the donor or acceptor splice site typically lead to a loss of protein function (PMID: 16199547), and loss-of-function variants in HSD17B4 are known to be pathogenic (PMID: 11810648, 16385454, 20673864). This variant is not present in population databases (gnomAD no frequency). Disruption of this splice site has been observed in individual(s) with Perrault syndrome (PMID: 34906502). Algorithms developed to predict the effect of sequence changes on RNA splicing suggest that this variant may disrupt the consensus splice site. In summary, the currently available evidence indicates that the variant is pathogenic, but additional data are needed to prove that conclusively. Therefore, this variant has been classified as Likely Pathogenic.

Literature cited by the submitters: PubMed 16199547; PubMed 11810648; PubMed 16385454; PubMed 20673864; PubMed 34906502.